The following is an entry in ClinVar:

ClinVar aggregate classification (germline): Pathogenic (1 of 4 stars; one submission).

Conditions:
Early-infantile DEE. Also called: Early infantile epileptic encephalopathy; Early infantile epileptic encephalopathy with suppression bursts; Ohtahara syndrome. Identifiers: Orphanet 1934, MedGen C0393706, MONDO:0800491.

Submission:

Labcorp Genetics (formerly Invitae), Labcorp
Classification: Pathogenic for Early-infantile DEE. Last evaluated: 2024-04-08. Review status: criteria provided, single submitter. Criteria: Invitae Variant Classification Sherloc (09022015). Collection method: clinical testing. Allele origin: germline.
Comment: This sequence change creates a premature translational stop signal (p.Lys118Argfs*17) in the CACNA2D2 gene. It is expected to result in an absent or disrupted protein product. Loss-of-function variants in CACNA2D2 are known to be pathogenic (PMID: 24358150). This variant is not present in population databases (gnomAD no frequency). This variant has not been reported in the literature in individuals affected with CACNA2D2-related conditions. For these reasons, this variant has been classified as Pathogenic.

Literature cited by the submitters: PubMed 24358150.

NM_006030.4(CACNA2D2):c.353del (p.Lys118fs)

Gene: CACNA2D2 (calcium voltage-gated channel auxiliary subunit alpha2delta 2; minus strand). Cytogenetic location: 3p21.31.
Variant type: Deletion.
Coding change: c.353del on transcript NM_006030.4 (MANE Select); coding-DNA position 353, one base deleted (A; older notation c.353delA).
Protein change: p.Lys118fs; shifts the reading frame from lysine 118.
Molecular consequence: frameshift variant.
Genome position (GRCh38, 1-based): chr3:50,434,365, T deleted on the plus strand (A on the coding strand, the reverse complement: CACNA2D2 is on the minus strand); the first of 2 consecutive T bases (chr3:50,434,365-50,434,366); deleting either gives the same sequence. VCF-style (leftmost placement, unchanged base first): chr3-50434364-CT-C. GRCh37 (hg19) VCF-style: chr3-50471795-CT-C.
Other names: c.353del, p.Lys118fs (NM_001005505.3, NM_001174051.3, NM_001410768.1); c.146del, p.Lys49fs (NM_001291101.1); short protein forms K49fs, K118fs.
Identifiers: ClinVar variation 2833647 (VCV002833647.3), dbSNP rs2471148332, ClinGen allele CA2739279395.